The following is an entry in ClinVar:

ClinVar aggregate classification (germline): Uncertain significance (1 of 4 stars; one submission).

Conditions:
Primary ciliary dyskinesia. Also called: Ciliary dyskinesia. Identifiers: Orphanet 244, MedGen C0008780, MONDO:0016575, HP:0012265.

Allele frequency attached by ClinVar (database versions not stated): gnomAD exomes below 0.00001; TOPMed below 0.00001; gnomAD 0.00001.
gnomAD v4.1: 3 of 1,613,742 alleles (0.00019%); highest among the groups gnomAD compares: Non-Finnish European, 0.00025%; no homozygotes.

Submission:

Ambry Genetics
Classification: Uncertain significance for Primary ciliary dyskinesia. Last evaluated: 2022-09-24. Review status: criteria provided, single submitter. Criteria: Ambry Variant Classification Scheme 2023. Collection method: clinical testing. Allele origin: germline.
Comment: The p.L2053V variant (also known as c.6157C>G), located in coding exon 37 of the DNAH5 gene, results from a C to G substitution at nucleotide position 6157. The leucine at codon 2053 is replaced by valine, an amino acid with highly similar properties. This amino acid position is conserved. In addition, the in silico prediction for this alteration is inconclusive. Since supporting evidence is limited at this time, the clinical significance of this alteration remains unclear.

NM_001369.3(DNAH5):c.6157C>G (p.Leu2053Val)

Gene: DNAH5 (dynein axonemal heavy chain 5; minus strand). Cytogenetic location: 5p15.2.
Variant type: single nucleotide variant.
Coding change: c.6157C>G on transcript NM_001369.3 (MANE Select); coding-DNA position 6157, C replaced by G.
Protein change: p.Leu2053Val; replaces leucine 2053 with valine.
Molecular consequence: missense variant.
Genome position (GRCh38, 1-based): chr5:13,830,118, G>C on the plus strand (C>G on the coding strand, the complement: DNAH5 is on the minus strand). VCF-style: chr5-13830118-G-C. GRCh37 (hg19) VCF-style: chr5-13830227-G-C.
Other names: short protein forms L2053V.
Identifiers: ClinVar variation 1751912 (VCV001751912.2), dbSNP rs1207803525, ClinGen allele CA359201164.
Genomic context (GRCh38, chr5:13,830,118, plus strand): 5'-TAGTCACATTATCTCCATCAGTAAAGATAAAAGACTTTTTGTGCTCCTTTTTACATGTCA[G>C]AATAATGGAAATTTGCTGGGCTGCAACCGAGAGAACTGGTAGATCAATACGGTTAAATTC-3'
Protein context (NP_001360.1, residues 2043-2063): SVAAQQISII[Leu2053Val]TCKKEHKKSF